The following is an entry in ClinVar:

ClinVar aggregate classification (germline): Benign/Likely benign. Review status: criteria provided, multiple submitters, no conflicts (2 of 4 stars). 5 submissions from 5 submitters: Benign (2); Likely benign (3). Last evaluated 2026-01-18.

Allele frequency attached by ClinVar (database versions not stated): ESP Exome Variant Server 0.00015; 1000 Genomes Project 30x 0.00016; gnomAD 0.00019; 1000 Genomes Project 0.00020; TOPMed 0.00045; gnomAD exomes 0.00101; ExAC 0.00106.
gnomAD v4.1: 314 of 1,337,634 alleles (0.023%); highest among the groups gnomAD compares: Admixed American, 0.55%; 2 homozygotes.

Submissions (5):

Labcorp Genetics (formerly Invitae), Labcorp
Classification: Benign. Last evaluated: 2026-01-18. Review status: criteria provided, single submitter. Criteria: Invitae Variant Classification Sherloc (09022015). Collection method: clinical testing. Allele origin: germline.

Blueprint Genetics
Classification: Likely benign. Last evaluated: 2022-04-27. Review status: criteria provided, single submitter. Criteria: ACMG Guidelines, 2015. Collection method: clinical testing. Allele origin: germline.

GeneDx
Classification: Likely benign. Last evaluated: 2021-09-03. Review status: criteria provided, single submitter. Criteria: GeneDx Variant Classification Process June 2021. Collection method: clinical testing. Allele origin: germline. Affected: yes.

Laboratory for Molecular Medicine, Mass General Brigham Personalized Medicine
Classification: Benign. Last evaluated: 2017-08-23. Review status: criteria provided, single submitter. Criteria: LMM Criteria. Collection method: clinical testing. Allele origin: germline. Observed: 1 variant allele.
Comment: p.Ala431Ala in exon 6 of ADCY1: This variant is not expected to have clinical si gnificance because it does not alter an amino acid residue, is not located withi n the splice consensus sequence, and has been identified in 1.11% (109/9864) of Latino chromosomes by the Exome Aggregation Consortium (ExAC; dbSNP rs145659731).

Breakthrough Genomics
Classification: Likely benign. Review status: criteria provided, single submitter. Criteria: ACMG Guidelines, 2015. Collection method: not provided. Allele origin: germline. Inheritance: Autosomal recessive inheritance. Affected: yes.

NM_021116.4(ADCY1):c.1293C>T (p.Ala431=)

Gene: ADCY1 (adenylate cyclase 1; plus strand). Cytogenetic location: 7p12.3.
Variant type: single nucleotide variant.
Coding change: c.1293C>T on transcript NM_021116.4 (MANE Select); coding-DNA position 1293, C replaced by T.
Protein change: p.Ala431=; no amino-acid change (alanine 431 retained).
Molecular consequence: synonymous variant.
Genome position (GRCh38, 1-based): chr7:45,657,871, C>T. VCF-style: chr7-45657871-C-T. GRCh37 (hg19) VCF-style: chr7-45697470-C-T.
Other names: c.618C>T, p.Ala206= (NM_001281768.2).
Identifiers: ClinVar variation 666613 (VCV000666613.15), dbSNP rs145659731, ClinGen allele CA4248906.